The following is an entry in ClinVar:

NM_001184.4(ATR):c.2592G>C (p.Glu864Asp)

Gene: ATR (ATR checkpoint kinase; minus strand). Cytogenetic location: 3q23.
Variant type: single nucleotide variant.
Coding change: c.2592G>C on transcript NM_001184.4 (MANE Select); coding-DNA position 2592, G replaced by C.
Protein change: p.Glu864Asp; replaces glutamic acid 864 with aspartic acid.
Molecular consequence: missense variant.
Genome position (GRCh38, 1-based): chr3:142,553,681, C>G on the plus strand (G>C on the coding strand, the complement: ATR is on the minus strand). VCF-style: chr3-142553681-C-G. GRCh37 (hg19) VCF-style: chr3-142272523-C-G.
Other names: c.2400G>C, p.Glu800Asp (NM_001354579.2); short protein forms E800D, E864D.
Identifiers: ClinVar variation 3221090 (VCV003221090.1), dbSNP rs2473384023, ClinGen allele CA354815495.

ClinVar aggregate classification (germline): Uncertain significance (1 of 4 stars; one submission).

Conditions:
Inborn genetic diseases. Identifiers: MedGen C0950123, MeSH D030342.

Submission:

Ambry Genetics
Classification: Uncertain significance for Inborn genetic diseases. Last evaluated: 2023-11-03. Review status: criteria provided, single submitter. Criteria: Ambry Variant Classification Scheme 2023. Collection method: clinical testing. Allele origin: germline.
Comment: The p.E864D variant (also known as c.2592G>C), located in coding exon 12 of the ATR gene, results from a G to C substitution at nucleotide position 2592. The glutamic acid at codon 864 is replaced by aspartic acid, an amino acid with highly similar properties. This amino acid position is conserved. In addition, this alteration is predicted to be tolerated by in silico analysis. Since supporting evidence is limited at this time, the clinical significance of this alteration remains unclear.